The following is an entry in ClinVar:

ClinVar aggregate classification (germline): Benign (1 of 4 stars; one submission).

Conditions:
DICER1-related tumor predisposition. Also called: DICER1 syndrome; DICER1-related pleuropulmonary blastoma cancer predisposition syndrome. Identifiers: Orphanet 284343, MedGen C3839822, MONDO:0100216.

Submission:

Myriad Genetics, Inc.
Classification: Benign for DICER1-related tumor predisposition. Last evaluated: 2026-04-17. Review status: criteria provided, single submitter. Criteria: Myriad Autosomal Dominant, Autosomal Recessive and X-Linked Classification Criteria (2023). Collection method: clinical testing. Allele origin: unknown.
Comment: This variant is considered benign. This variant is a silent/synonymous amino acid change and it is not expected to impact splicing.

NM_177438.3(DICER1):c.4182A>G (p.Thr1394=)

Gene: DICER1 (dicer 1, ribonuclease III; minus strand). Cytogenetic location: 14q32.13.
Variant type: single nucleotide variant.
Coding change: c.4182A>G on transcript NM_177438.3 (MANE Select); coding-DNA position 4182, A replaced by G.
Protein change: p.Thr1394=; no amino-acid change (threonine 1394 retained).
Molecular consequence: synonymous variant. On other transcripts: non-coding transcript variant (6).
Genome position (GRCh38, 1-based): chr14:95,099,804, T>C on the plus strand (A>G on the coding strand, the complement: DICER1 is on the minus strand). VCF-style: chr14-95099804-T-C. GRCh37 (hg19) VCF-style: chr14-95566141-T-C.
Other names: c.4182A>G, p.Thr1394= (NM_001195573.1, NM_001271282.3, NM_001291628.2 and 12 more transcripts); c.3900A>G, p.Thr1300= (NM_001395686.1); c.3777A>G, p.Thr1259= (NM_001395687.1, NM_001395688.1, NM_001395689.1 and 2 more transcripts); c.3615A>G, p.Thr1205= (NM_001395691.1); c.2499A>G, p.Thr833= (NM_001395697.1).
Identifiers: ClinVar variation 4875969 (VCV004875969.1).